The following is an entry in ClinVar:

NM_177438.3(DICER1):c.2506T>G (p.Phe836Val)

Gene: DICER1 (dicer 1, ribonuclease III; minus strand). Cytogenetic location: 14q32.13.
Variant type: single nucleotide variant.
Coding change: c.2506T>G on transcript NM_177438.3 (MANE Select); coding-DNA position 2506, T replaced by G.
Protein change: p.Phe836Val; replaces phenylalanine 836 with valine.
Molecular consequence: missense variant.
Genome position (GRCh38, 1-based): chr14:95,108,024, A>C on the plus strand (T>G on the coding strand, the complement: DICER1 is on the minus strand). VCF-style: chr14-95108024-A-C. GRCh37 (hg19) VCF-style: chr14-95574361-A-C.
Other names: c.2506T>G, p.Phe836Val (NM_001195573.1, NM_001271282.3, NM_001291628.2 and 1 more transcripts); short protein forms F836V.
Identifiers: ClinVar variation 569314 (VCV000569314.16), dbSNP rs1566777017, ClinGen allele CA390881883.
Genomic context (GRCh38, chr14:95,108,024, plus strand): 5'-GTGAGAATATATACTGGTGAAGTCTTGTAATCAACTCAAGCATTTGTAGAGACAACATGA[A>C]ACCAGACTTCTTCAACTCAATGGATATGGTAACCTCTCCAGAGCGTGTGTACACAGGAAA-3'
Protein context (NP_803187.1, residues 826-846): TISIELKKSG[Phe836Val]MLSLQMLELI

ClinVar aggregate classification (germline): Uncertain significance. Review status: criteria provided, multiple submitters, no conflicts (2 of 4 stars). 2 submissions from 2 submitters: Uncertain significance (2). Last evaluated 2024-09-30.

Conditions:
DICER1-related tumor predisposition. Also called: DICER1 syndrome; DICER1-related pleuropulmonary blastoma cancer predisposition syndrome. Identifiers: Orphanet 284343, MedGen C3839822, MONDO:0100216.
Hereditary cancer-predisposing syndrome. Also called: Hereditary neoplastic syndrome; Neoplastic Syndromes, Hereditary; Hereditary Cancer Syndrome; Tumor predisposition. Identifiers: Orphanet 140162, MedGen C0027672, MeSH D009386, MONDO:0015356.

Allele frequency attached by ClinVar (database versions not stated): gnomAD exomes 0.00001.
gnomAD v4.1: 10 of 1,613,898 alleles (0.00062%); highest among the groups gnomAD compares: Non-Finnish European, 0.00076%; no homozygotes.

Submissions (2):

Ambry Genetics
Classification: Uncertain significance for Hereditary cancer-predisposing syndrome. Last evaluated: 2024-09-30. Review status: criteria provided, single submitter. Criteria: Ambry Variant Classification Scheme 2023. Collection method: clinical testing. Allele origin: germline.
Comment: The p.F836V variant (also known as c.2506T>G), located in coding exon 15 of the DICER1 gene, results from a T to G substitution at nucleotide position 2506. The phenylalanine at codon 836 is replaced by valine, an amino acid with highly similar properties. This amino acid position is highly conserved in available vertebrate species. In addition, this alteration is predicted to be deleterious by in silico analysis. Since supporting evidence is limited at this time, the clinical significance of this alteration remains unclear.

Labcorp Genetics (formerly Invitae), Labcorp
Classification: Uncertain significance for DICER1-related tumor predisposition. Last evaluated: 2023-09-22. Review status: criteria provided, single submitter. Criteria: Invitae Variant Classification Sherloc (09022015). Collection method: clinical testing. Allele origin: germline.
Comment: This sequence change replaces phenylalanine, which is neutral and non-polar, with valine, which is neutral and non-polar, at codon 836 of the DICER1 protein (p.Phe836Val). In summary, the available evidence is currently insufficient to determine the role of this variant in disease. Therefore, it has been classified as a Variant of Uncertain Significance. Advanced modeling of protein sequence and biophysical properties (such as structural, functional, and spatial information, amino acid conservation, physicochemical variation, residue mobility, and thermodynamic stability) performed at Invitae indicates that this missense variant is not expected to disrupt DICER1 protein function. ClinVar contains an entry for this variant (Variation ID: 569314). This variant has not been reported in the literature in individuals affected with DICER1-related conditions. This variant is not present in population databases (gnomAD no frequency).